The following is an entry in ClinVar:

ClinVar aggregate classification (germline): Uncertain significance. Review status: criteria provided, multiple submitters, no conflicts (2 of 4 stars). 3 submissions from 3 submitters: Uncertain significance (3). Last evaluated 2026-04-18.

Conditions:
Familial thoracic aortic aneurysm and aortic dissection (TAAD). Also called: Thoracic aortic aneurysms and dissections. Identifiers: Orphanet 91387, MedGen C4707243, MONDO:0019625.
Aortic aneurysm, familial thoracic 7 (AAT7). Also called: AORTIC DISSECTION, FAMILIAL, WITH OR WITHOUT AORTIC ANEURYSM. Identifiers: MedGen C3151077, MONDO:0013418, OMIM 613780.

gnomAD v4.1: 4 of 1,614,052 alleles (0.00025%); highest among the groups gnomAD compares: Non-Finnish European, 0.00034%; no homozygotes.

Submissions (3):

Ambry Genetics
Classification: Uncertain significance for Familial thoracic aortic aneurysm and aortic dissection. Last evaluated: 2026-04-18. Review status: criteria provided, single submitter. Criteria: Ambry Variant Classification Scheme 2023. Collection method: clinical testing. Allele origin: germline.
Comment: The p.A350S variant (also known as c.1048G>T), located in coding exon 7 of the MYLK gene, results from a G to T substitution at nucleotide position 1048. The alanine at codon 350 is replaced by serine, an amino acid with similar properties. This amino acid position is conserved. In addition, this alteration is predicted to be tolerated by in silico analysis. Based on the available evidence, the clinical significance of this variant remains unclear.

Labcorp Genetics (formerly Invitae), Labcorp
Classification: Uncertain significance for Aortic aneurysm, familial thoracic 7. Last evaluated: 2025-01-27. Review status: criteria provided, single submitter. Criteria: Invitae Variant Classification Sherloc (09022015). Collection method: clinical testing. Allele origin: germline.
Comment: This sequence change replaces alanine, which is neutral and non-polar, with serine, which is neutral and polar, at codon 350 of the MYLK protein (p.Ala350Ser). This variant is present in population databases (rs532659627, gnomAD 0.0009%). This variant has not been reported in the literature in individuals affected with MYLK-related conditions. ClinVar contains an entry for this variant (Variation ID: 3371259). Invitae Evidence Modeling of protein sequence and biophysical properties (such as structural, functional, and spatial information, amino acid conservation, physicochemical variation, residue mobility, and thermodynamic stability) indicates that this missense variant is not expected to disrupt MYLK protein function with a negative predictive value of 95%. In summary, the available evidence is currently insufficient to determine the role of this variant in disease. Therefore, it has been classified as a Variant of Uncertain Significance.

GeneDx
Classification: Uncertain significance. Last evaluated: 2024-03-20. Review status: criteria provided, single submitter. Criteria: GeneDx Variant Classification Process June 2021. Collection method: clinical testing. Allele origin: germline. Affected: yes.
Comment: Has not been previously published as pathogenic or benign to our knowledge; Not observed at significant frequency in large population cohorts (gnomAD); In silico analysis supports that this missense variant does not alter protein structure/function

NM_053025.4(MYLK):c.1048G>T (p.Ala350Ser)

Gene: MYLK (myosin light chain kinase; minus strand). Cytogenetic location: 3q21.1.
Variant type: single nucleotide variant.
Coding change: c.1048G>T on transcript NM_053025.4 (MANE Select); coding-DNA position 1048, G replaced by T.
Protein change: p.Ala350Ser; replaces alanine 350 with serine.
Molecular consequence: missense variant.
Genome position (GRCh38, 1-based): chr3:123,733,948, C>A on the plus strand (G>T on the coding strand, the complement: MYLK is on the minus strand). VCF-style: chr3-123733948-C-A. GRCh37 (hg19) VCF-style: chr3-123452795-C-A.
Other names: c.520G>T, p.Ala174Ser (NM_001321309.2); c.1048G>T, p.Ala350Ser (NM_053026.4, NM_053027.4, NM_053028.4); short protein forms A174S, A350S.
Identifiers: ClinVar variation 3371259 (VCV003371259.3).